The following is an entry in ClinVar:

NM_020433.5(JPH2):c.692G>A (p.Arg231Gln)

Gene: JPH2 (junctophilin 2; minus strand). Cytogenetic location: 20q13.12.
Variant type: single nucleotide variant.
Coding change: c.692G>A on transcript NM_020433.5 (MANE Select); coding-DNA position 692, G replaced by A.
Protein change: p.Arg231Gln; replaces arginine 231 with glutamine.
Molecular consequence: missense variant.
Genome position (GRCh38, 1-based): chr20:44,160,095, C>T on the plus strand (G>A on the coding strand, the complement: JPH2 is on the minus strand). VCF-style: chr20-44160095-C-T. GRCh37 (hg19) VCF-style: chr20-42788735-C-T.
Other names: p.Arg231Gln; short protein forms R231Q.
Identifiers: ClinVar variation 225099 (VCV000225099.29), dbSNP rs761591158, ClinGen allele CA358137.

ClinVar aggregate classification (germline): Conflicting classifications of pathogenicity. Review status: criteria provided, conflicting classifications (1 of 4 stars). 9 submissions from 9 submitters: Uncertain significance (5); Likely benign (3). 1 of the submissions does not count toward it. Last evaluated 2026-07-29.

Conditions:
Cardiomyopathy, dilated, 2E. Identifiers: MedGen C5561970, MONDO:0030366, OMIM 619492.
Hypertrophic cardiomyopathy 17. Identifiers: MedGen C3151264, MONDO:0013474, OMIM 613873.
JPH2-related disorder. Also called: JPH2-related condition.
Cardiovascular phenotype. Identifiers: MedGen CN230736.
Hypertrophic cardiomyopathy. Also called: HYPERTROPHIC MYOCARDIOPATHY. Identifiers: Orphanet 217569, MedGen C0007194, MeSH D002312, MONDO:0005045, HP:0001639.

Allele frequency attached by ClinVar (database versions not stated): ExAC 0.00009; gnomAD exomes 0.00024 and 0.00049; gnomAD 0.00038 and 0.00039; TOPMed 0.00039.
gnomAD v4.1: 727 of 1,530,048 alleles (0.048%); highest among the groups gnomAD compares: Non-Finnish European, 0.059%; no homozygotes.

Submissions (9):

GeneDx
Classification: Uncertain significance. Last evaluated: 2026-07-29. Review status: criteria provided, single submitter. Criteria: GeneDx Variant Classification Process June 2021. Collection method: clinical testing. Allele origin: germline.
Comment: Identified in patients with cardiomyopathy in published literature (PMID: 28254189, 30847666, 28771489); several patients harbored additional cardiogenetic variants; Reported in an abstract by Tang et al., 2015 as a de novo occurrence in a proband undergoing whole exome sequencing; however, a pathogenic splice site variant in the MYBPC3 gene was also identified, which was inherited from an affected parent; In silico analysis suggests that this missense variant does not alter protein structure/function; This variant is associated with the following publications: (PMID: 30235249, 25356970, 30847666, 35001666, 28771489, 28254189)

Ambry Genetics
Classification: Uncertain significance for Cardiovascular phenotype. Last evaluated: 2026-03-17. Review status: criteria provided, single submitter. Criteria: Ambry Variant Classification Scheme 2023. Collection method: clinical testing. Allele origin: germline.
Comment: The alteration results in an amino acid change: The c.692G>A (p.R231Q) alteration is located in coding exon 2 of the JPH2 gene. This alteration results from a G to A substitution at nucleotide position 692, causing the arginine (R) at amino acid position 231 to be replaced by a glutamine (Q). The heterozygous missense change is ultra rare in healthy individuals: Based on data from the Genome Aggregation Database (gnomAD), the JPH2 c.692G>A alteration was observed in 0.026% (41/159,340) total alleles studied, with a frequency of 0.05% (31/63,226) in the European (Non-Finnish) subpopulation. The amino acid change has been observed in affected individuals: This alteration has been reported in one individual with dilated cardiomyopathy who also carried a variant in the HCN4 gene (Arbustini, 2017). The altered amino acid is not conserved throughout evolution: The p.R231 amino acid is not conserved in available vertebrate species. The alteration is predicted benign by in silico models: The p.R231Q alteration is predicted to be benign by Polyphen and tolerated by SIFT in silico analyses. Based on insufficient or conflicting evidence, the clinical significance of this alteration remains unclear.

Labcorp Genetics (formerly Invitae), Labcorp
Classification: Uncertain significance for Hypertrophic cardiomyopathy. Last evaluated: 2025-12-13. Review status: criteria provided, single submitter. Criteria: Invitae Variant Classification Sherloc (09022015). Collection method: clinical testing. Allele origin: germline.
Comment: This sequence change replaces arginine, which is basic and polar, with glutamine, which is neutral and polar, at codon 231 of the JPH2 protein (p.Arg231Gln). This variant is present in population databases (rs761591158, gnomAD 0.05%), and has an allele count higher than expected for a pathogenic variant. This missense change has been observed in individual(s) with JPH2-related conditions (PMID: 28254189, 28771489, 30847666). ClinVar contains an entry for this variant (Variation ID: 225099). An algorithm developed to predict the effect of missense changes on protein structure and function (PolyPhen-2) suggests that this variant is likely to be disruptive. In summary, the available evidence is currently insufficient to determine the role of this variant in disease. Therefore, it has been classified as a Variant of Uncertain Significance.

Mayo Clinic Laboratories, Mayo Clinic
Classification: Likely benign. Last evaluated: 2025-08-27. Review status: criteria provided, single submitter. Criteria: ACMG Guidelines, 2015. Collection method: clinical testing. Allele origin: germline. Observed: 1 variant allele.
Comment: BS1, BP4_moderate

Molecular Diagnostic Laboratory for Inherited Cardiovascular Disease, Montreal Heart Institute
Classification: Likely benign. Last evaluated: 2025-07-24. Review status: criteria provided, single submitter. Criteria: ACMG Guidelines, 2015. Collection method: clinical testing. Allele origin: germline. Affected: no.
Comment: BS1, BP4

Blueprint Genetics
Classification: Likely benign. Last evaluated: 2024-11-07. Review status: criteria provided, single submitter. Criteria: ACMG Guidelines, 2015. Collection method: clinical testing. Allele origin: germline.

Victorian Clinical Genetics Services, Murdoch Childrens Research Institute
Classification: Uncertain significance for Hypertrophic cardiomyopathy 17. Last evaluated: 2022-02-02. Review status: criteria provided, single submitter. Criteria: ACMG Guidelines, 2015. Collection method: clinical testing. Allele origin: germline. Inheritance: Autosomal dominant inheritance. Affected: yes.
Comment: Based on the classification scheme VCGS_Germline_v1.3.4, this variant is classified as VUS-3B. Following criteria are met: 0102 - Loss of function is a known mechanism of disease in this gene and is associated with hypertrophic cardiomyopathy 17 (MIM# 613873). (I) 0107 - This gene is associated with autosomal dominant disease. (I) 0200 - Variant is predicted to result in a missense amino acid change from arginine to glutamine. (I) 0251 - This variant is heterozygous. (I) 0302 - Variant is present in gnomAD (v3) <0.001 for a dominant condition (57 heterozygotes, 0 homozygotes). (SP) 0502 - Missense variant with conflicting in silico predictions and uninformative conservation. (I) 0604 - Variant is not located in an established domain, motif, hotspot or informative constraint region. (I) 0705 - No comparable missense variants have previous evidence for pathogenicity. (I) 0808 - Previous reports of pathogenicity for this variant are conflicting. This variant has been classified as either likely benign or a VUS in the literature and by multiple clinical diagnostic laboratories, and has been identified in individuals with either dilated cardiomyopathy, hypertrophic cardiomyopathy or restrictive cardiomyopathy (ClinVar; PMIDs: 28771489, 28254189, 30847666). (I) 1007 - No published functional evidence has been identified for this variant. (I) 1208 - Inheritance information for this variant is not currently available in this individual. (I) Legend: (SP) - Supporting pathogenic, (I) - Information, (SB) - Supporting benign

Fulgent Genetics
Classification: Uncertain significance for Hypertrophic cardiomyopathy 17; Cardiomyopathy, dilated, 2E. Last evaluated: 2021-09-21. Review status: criteria provided, single submitter. Criteria: ACMG Guidelines, 2015. Collection method: clinical testing. Allele origin: unknown.

PreventionGenetics, part of Exact Sciences
Classification: Uncertain significance for JPH2-related condition. Last evaluated: 2024-09-06. Review status: no assertion criteria provided. Collection method: clinical testing. Allele origin: germline. Not counted in ClinVar's aggregate classification.
Comment: The JPH2 c.692G>A variant is predicted to result in the amino acid substitution p.Arg231Gln. This variant has been reported in multiple unrelated individuals with dilated, hypertrophic, or restricted cardiomyopathy (Arbustini et al. 2017. PubMed ID: 28254189; Table S2, Mademont-Soler et al. 2017. PubMed ID: 28771489; Table S2, van Lint et al. 2019. PubMed ID: 30847666). This variant is reported in 0.049% of alleles in individuals of European (non-Finnish) descent in gnomAD. At this time, the clinical significance of this variant is uncertain due to the absence of conclusive functional and genetic evidence.

Literature cited by the submitters: PubMed 28254189 (cited by 4 submitters); PubMed 28771489 (cited by 3 submitters); PubMed 30847666 (cited by 3 submitters).